The following is an entry in ClinVar:

NM_003239.5(TGFB3):c.1134C>A (p.Cys378Ter)

Gene: TGFB3 (transforming growth factor beta 3; minus strand). Cytogenetic location: 14q24.3.
Variant type: single nucleotide variant.
Coding change: c.1134C>A on transcript NM_003239.5 (MANE Select); coding-DNA position 1134, C replaced by A.
Protein change: p.Cys378Ter; replaces cysteine 378 with a stop codon.
Molecular consequence: nonsense.
Genome position (GRCh38, 1-based): chr14:75,959,292, G>T on the plus strand (C>A on the coding strand, the complement: TGFB3 is on the minus strand). VCF-style: chr14-75959292-G-T. GRCh37 (hg19) VCF-style: chr14-76425635-G-T.
Other names: c.1134C>A, p.Cys378Ter (NM_001329939.2); short protein forms C378*.
Identifiers: ClinVar variation 3659200 (VCV003659200.2).

ClinVar aggregate classification (germline): Pathogenic (1 of 4 stars; one submission).

Conditions:
Rienhoff syndrome. Also called: LOEYS-DIETZ SYNDROME 5. Identifiers: MedGen C3810012, MONDO:0014262, OMIM 615582.

Submission:

Labcorp Genetics (formerly Invitae), Labcorp
Classification: Pathogenic for Rienhoff syndrome. Last evaluated: 2024-07-11. Review status: criteria provided, single submitter. Criteria: Invitae Variant Classification Sherloc (09022015). Collection method: clinical testing. Allele origin: germline.
Comment: This sequence change creates a premature translational stop signal (p.Cys378*) in the TGFB3 gene. While this is not anticipated to result in nonsense mediated decay, it is expected to disrupt the last 35 amino acid(s) of the TGFB3 protein. This variant is not present in population databases (gnomAD no frequency). This variant has not been reported in the literature in individuals affected with TGFB3-related conditions. This variant disrupts a region of the TGFB3 protein in which other variant(s) (p.Leu401Pro) have been determined to be pathogenic (PMID: 25835445, 32897753). This suggests that this is a clinically significant region of the protein, and that variants that disrupt it are likely to be disease-causing. For these reasons, this variant has been classified as Pathogenic.

Literature cited by the submitters: PubMed 25835445; PubMed 32897753.